The following is an entry in ClinVar:

ClinVar aggregate classification (germline): Uncertain significance (1 of 4 stars; one submission).

Allele frequency attached by ClinVar (database versions not stated): ExAC 0.00001; gnomAD exomes 0.00001.
gnomAD v4.1: 6 of 1,614,130 alleles (0.00037%); highest among the groups gnomAD compares: South Asian, 0.0055%; 1 homozygote.

Submission:

Labcorp Genetics (formerly Invitae), Labcorp
Classification: Uncertain significance. Last evaluated: 2025-10-06. Review status: criteria provided, single submitter. Criteria: Invitae Variant Classification Sherloc (09022015). Collection method: clinical testing. Allele origin: germline.
Comment: This sequence change replaces glycine, which is neutral and non-polar, with glutamic acid, which is acidic and polar, at codon 80 of the REST protein (p.Gly80Glu). This variant is present in population databases (rs747481199, gnomAD 0.01%). This variant has not been reported in the literature in individuals affected with REST-related conditions. ClinVar contains an entry for this variant (Variation ID: 1059011). An algorithm developed to predict the effect of missense changes on protein structure and function (PolyPhen-2) suggests that this variant is likely to be disruptive. In summary, the available evidence is currently insufficient to determine the role of this variant in disease. Therefore, it has been classified as a Variant of Uncertain Significance.

NM_005612.5(REST):c.239G>A (p.Gly80Glu)

Gene: REST (RE1 silencing transcription factor; plus strand). Cytogenetic location: 4q12.
Variant type: single nucleotide variant.
Coding change: c.239G>A on transcript NM_005612.5 (MANE Select); coding-DNA position 239, G replaced by A.
Protein change: p.Gly80Glu; replaces glycine 80 with glutamic acid.
Molecular consequence: missense variant.
Genome position (GRCh38, 1-based): chr4:56,910,877, G>A. VCF-style: chr4-56910877-G-A. GRCh37 (hg19) VCF-style: chr4-57777043-G-A.
Other names: c.239G>A, p.Gly80Glu (NM_001193508.2, NM_001363453.3); short protein forms G80E.
Identifiers: ClinVar variation 1059011 (VCV001059011.9), dbSNP rs747481199, ClinGen allele CA2932058.